The following is an entry in ClinVar:

NC_000023.10:g.(?_123019513)_(123034563_?)dup

Gene: XIAP (X-linked inhibitor of apoptosis; plus strand). Cytogenetic location: Xq25.
Variant type: Duplication.
Identifiers: ClinVar variation 3244585 (VCV003244585.1).

ClinVar aggregate classification (germline): Uncertain significance (1 of 4 stars; one submission).

Conditions:
X-linked lymphoproliferative disease due to XIAP deficiency. Also called: XIAP-Related Lymphoproliferative Disease, X-Linked; XIAP DEFICIENCY. Identifiers: Orphanet 2442, Orphanet 538934, MedGen C1845076, MONDO:0010385, OMIM 300635.

Submission:

Labcorp Genetics (formerly Invitae), Labcorp
Classification: Uncertain significance for X-linked lymphoproliferative disease due to XIAP deficiency. Last evaluated: 2023-01-31. Review status: criteria provided, single submitter. Criteria: Invitae Variant Classification Sherloc (09022015). Collection method: clinical testing. Allele origin: unknown.
Comment: This variant results in a copy number gain of the genomic region encompassing exon(s) 2-6 of the XIAP gene. This region includes the initiator codon of the gene. This copy number gain extends beyond the assayed region for this gene and therefore may encompass additional genes. As the precise location of this event is unknown, it may be in tandem or it may be located elsewhere in the genome. This variant has not been reported in the literature in individuals affected with XIAP-related conditions. Experimental studies and prediction algorithms are not available or were not evaluated, and the functional significance of this variant is currently unknown. In summary, the available evidence is currently insufficient to determine the role of this variant in disease. Therefore, it has been classified as a Variant of Uncertain Significance.